The following is an entry in ClinVar:

NM_001009944.3(PKD1):c.7534del (p.Leu2512fs)

Gene: PKD1 (polycystin 1, transient receptor potential channel interacting; minus strand). Cytogenetic location: 16p13.3.
Variant type: Deletion.
Coding change: c.7534del on transcript NM_001009944.3 (MANE Select); coding-DNA position 7534, one base deleted (C; older notation c.7534delC).
Protein change: p.Leu2512fs; shifts the reading frame from leucine 2512.
Molecular consequence: frameshift variant.
Genome position (GRCh38, 1-based): chr16:2,106,260, G deleted on the plus strand (C on the coding strand, the reverse complement: PKD1 is on the minus strand); the first of 3 consecutive G bases (chr16:2,106,260-2,106,262); deleting any one gives the same sequence. VCF-style (leftmost placement, unchanged base first): chr16-2106259-AG-A. GRCh37 (hg19) VCF-style: chr16-2156260-AG-A.
Other names: c.7534del, p.Leu2512fs (NM_000296.4); short protein forms L2512fs.
Identifiers: ClinVar variation 3236138 (VCV003236138.1), dbSNP rs2544778476, ClinGen allele CA2825002372.
Genomic context (GRCh38, chr16:2,106,259, plus strand): 5'-AGGCTGCCCTTGTAGACACAGAACTCCTCGCAGTGGCCCTGGCGACAGCGCCGCAGCAGC[AG>A]GGCGTACACCAGCGGGGCGCCAGCATCCTCCGCGTCATGCCAGCCTGAGGGACGGTCCCC-3'

ClinVar aggregate classification (germline): Likely pathogenic (1 of 4 stars; one submission).

Conditions:
Polycystic kidney disease, adult type (PKD1). Also called: Polycystic Kidney Disease 1, Autosomal Dominant; Polycystic kidney disease 1; Polycystic kidney disease 1, severe; Polycystic Kidney, Autosomal Dominant; POLYCYSTIC KIDNEY DISEASE 1 WITH OR WITHOUT POLYCYSTIC LIVER DISEASE; POLYCYSTIC KIDNEY DISEASE, ADULT, TYPE I. Identifiers: MedGen C3149841, MONDO:0008263, OMIM 173900.

Submission:

MVZ Medizinische Genetik Mainz
Classification: Likely pathogenic for Polycystic kidney disease, adult type. Last evaluated: 2023-02-06. Review status: criteria provided, single submitter. Criteria: UK Practice Guidelines For Variant Classification V4 01 2020. Collection method: clinical testing. Allele origin: germline. Inheritance: Autosomal dominant inheritance. Affected: yes. Observed: 1 variant allele.
Comment: ACMG Criteria: PVS1, PM2_SUP